The following is an entry in ClinVar:

NM_001146197.3(LRTM3):c.3591A>G (p.Lys1197=)

Gene: LRTM3 (leucine rich repeat transmembrane protein 3; minus strand). Cytogenetic location: 13q33.1.
Variant type: single nucleotide variant.
Coding change: c.3591A>G on transcript NM_001146197.3 (MANE Select); coding-DNA position 3591, A replaced by G.
Protein change: p.Lys1197=; no amino-acid change (lysine 1197 retained).
Molecular consequence: synonymous variant.
Genome position (GRCh38, 1-based): chr13:102,747,106, T>C on the plus strand (A>G on the coding strand, the complement: LRTM3 is on the minus strand). VCF-style: chr13-102747106-T-C. GRCh37 (hg19) VCF-style: chr13-103399456-T-C.
Identifiers: ClinVar variation 2643913 (VCV002643913.24), dbSNP rs138353836, ClinGen allele CA7039722.

ClinVar aggregate classification (germline): Likely benign (1 of 4 stars; one submission).

Allele frequency attached by ClinVar (database versions not stated): 1000 Genomes Project 30x 0.00219; 1000 Genomes Project 0.00220; ExAC 0.00375; gnomAD 0.00544; ESP Exome Variant Server 0.00548; TOPMed 0.00622; gnomAD exomes 0.00796.
gnomAD v4.1: 11,907 of 1,551,038 alleles (0.77%); highest among the groups gnomAD compares: Non-Finnish European, 0.95%; 62 homozygotes.

Submission:

CeGaT Center for Human Genetics Tuebingen
Classification: Likely benign. Last evaluated: 2022-12-01. Review status: criteria provided, single submitter. Criteria: CeGaT Center For Human Genetics Tuebingen Variant Classification Criteria Version 2. Collection method: clinical testing. Allele origin: germline. Affected: yes. Observed: 1 variant allele.
Comment: LRTM3: BP4, BP7, BS2